The following is an entry in ClinVar:

ClinVar aggregate classification (germline): Uncertain significance (1 of 4 stars; one submission).

gnomAD v4.1: 1 of 1,613,910 alleles (0.000062%); highest among the groups gnomAD compares: Non-Finnish European, 0.000085%; no homozygotes.

Submissions (2):

Labcorp Genetics (formerly Invitae), Labcorp
Classification: Uncertain significance. Last evaluated: 2022-02-23. Review status: criteria provided, single submitter. Criteria: Invitae Variant Classification Sherloc (09022015). Collection method: clinical testing. Allele origin: germline.
Comment: This sequence change replaces glycine, which is neutral and non-polar, with valine, which is neutral and non-polar, at codon 407 of the KIZ protein (p.Gly407Val). This variant is not present in population databases (gnomAD no frequency). In summary, the available evidence is currently insufficient to determine the role of this variant in disease. Therefore, it has been classified as a Variant of Uncertain Significance. This variant has not been reported in the literature in individuals affected with KIZ-related conditions.

Dr. Peter K. Rogan Lab, Western University
No classification provided (evidence only). Condition: Uterine corpus endometrial carcinoma. Review status: no classification provided. Collection method: in vitro. Allele origin: not applicable. Functional consequence: retained intron. Not counted in ClinVar's aggregate classification.

NM_018474.6(KIZ):c.1220G>T (p.Gly407Val)

Gene: KIZ (kizuna centrosomal protein; plus strand). Cytogenetic location: 20p11.23.
Variant type: single nucleotide variant.
Coding change: c.1220G>T on transcript NM_018474.6 (MANE Select); coding-DNA position 1220, G replaced by T.
Protein change: p.Gly407Val; replaces glycine 407 with valine.
Molecular consequence: missense variant.
Genome position (GRCh38, 1-based): chr20:21,163,027, G>T. VCF-style: chr20-21163027-G-T. GRCh37 (hg19) VCF-style: chr20-21143668-G-T.
Other names: c.911G>T, p.Gly304Val (NM_001163022.3, NM_001352435.2); c.821G>T, p.Gly274Val (NM_001163023.3); c.1073G>T, p.Gly358Val (NM_001276389.2); c.1220G>T, p.Gly407Val (NM_001352434.2); c.878G>T, p.Gly293Val (NM_001352436.2); short protein forms G274V, G293V, G304V, G358V, G407V.
Identifiers: ClinVar variation 1998036 (VCV001998036.5), dbSNP rs565902310, ClinGen allele CA408493702.